The following is an entry in ClinVar:

NM_000054.7(AVPR2):c.1046C>T (p.Pro349Leu)

Gene: AVPR2 (arginine vasopressin receptor 2; plus strand). Cytogenetic location: Xq28.
Variant type: single nucleotide variant.
Coding change: c.1046C>T on transcript NM_000054.7 (MANE Select); coding-DNA position 1046, C replaced by T.
Protein change: p.Pro349Leu; replaces proline 349 with leucine.
Molecular consequence: missense variant. On other transcripts: 3 prime UTR variant (1), non-coding transcript variant (1).
Genome position (GRCh38, 1-based): chrX:153,906,658, C>T. VCF-style: chrX-153906658-C-T. GRCh37 (hg19) VCF-style: chrX-153172112-C-T.
Other names: c.1046C>T (NM_000054.4); c.*222C>T (NM_001146151.3); short protein forms P349L.
Identifiers: ClinVar variation 2960999 (VCV002960999.3), dbSNP rs140075460, ClinGen allele CA10555126.

ClinVar aggregate classification (germline): Uncertain significance. Review status: criteria provided, multiple submitters, no conflicts (2 of 4 stars). 2 submissions from 2 submitters: Uncertain significance (2). Last evaluated 2025-10-21.

Conditions:
Inborn genetic diseases. Identifiers: MedGen C0950123, MeSH D030342.

Allele frequency attached by ClinVar (database versions not stated): 1000 Genomes Project 0.00026; ExAC 0.00001; TOPMed 0.00002; ESP Exome Variant Server 0.00009; gnomAD exomes 0.00001; gnomAD 0.00002; 1000 Genomes Project 30x 0.00021.
gnomAD v4.1: 8 of 1,209,212 alleles (0.00066%); highest among the groups gnomAD compares: Admixed American, 0.0065%; no homozygotes.

Submissions (2):

Ambry Genetics
Classification: Uncertain significance for Inborn genetic diseases. Last evaluated: 2025-10-21. Review status: criteria provided, single submitter. Criteria: Ambry Variant Classification Scheme 2023. Collection method: clinical testing. Allele origin: germline.

Labcorp Genetics (formerly Invitae), Labcorp
Classification: Uncertain significance. Last evaluated: 2023-06-15. Review status: criteria provided, single submitter. Criteria: Invitae Variant Classification Sherloc (09022015). Collection method: clinical testing. Allele origin: germline.
Comment: This sequence change replaces proline, which is neutral and non-polar, with leucine, which is neutral and non-polar, at codon 349 of the AVPR2 protein (p.Pro349Leu). This variant is present in population databases (rs140075460, gnomAD 0.001%). This variant has not been reported in the literature in individuals affected with AVPR2-related conditions. Advanced modeling of protein sequence and biophysical properties (such as structural, functional, and spatial information, amino acid conservation, physicochemical variation, residue mobility, and thermodynamic stability) performed at Invitae indicates that this missense variant is not expected to disrupt AVPR2 protein function. In summary, the available evidence is currently insufficient to determine the role of this variant in disease. Therefore, it has been classified as a Variant of Uncertain Significance.